The following is an entry in ClinVar:

ClinVar aggregate classification (germline): Uncertain significance. Review status: criteria provided, multiple submitters, no conflicts (2 of 4 stars). 2 submissions from 2 submitters: Uncertain significance (2). Last evaluated 2025-11-09.

Conditions:
Inborn genetic diseases. Identifiers: MedGen C0950123, MeSH D030342.

Allele frequency attached by ClinVar (database versions not stated): gnomAD exomes 0.00001.
gnomAD v4.1: 12 of 1,613,772 alleles (0.00074%); highest among the groups gnomAD compares: East Asian, 0.0022%; no homozygotes.

Submissions (2):

Labcorp Genetics (formerly Invitae), Labcorp
Classification: Uncertain significance. Last evaluated: 2025-11-09. Review status: criteria provided, single submitter. Criteria: Invitae Variant Classification Sherloc (09022015). Collection method: clinical testing. Allele origin: germline.
Comment: This sequence change replaces arginine, which is basic and polar, with histidine, which is basic and polar, at codon 1859 of the CHD8 protein (p.Arg1859His). This variant is not present in population databases (gnomAD no frequency). This variant has not been reported in the literature in individuals affected with CHD8-related conditions. ClinVar contains an entry for this variant (Variation ID: 1748390). Invitae Evidence Modeling of protein sequence and biophysical properties (such as structural, functional, and spatial information, amino acid conservation, physicochemical variation, residue mobility, and thermodynamic stability) indicates that this missense variant is not expected to disrupt CHD8 protein function with a negative predictive value of 95%. In summary, the available evidence is currently insufficient to determine the role of this variant in disease. Therefore, it has been classified as a Variant of Uncertain Significance.

Ambry Genetics
Classification: Uncertain significance for Inborn genetic diseases. Last evaluated: 2018-01-29. Review status: criteria provided, single submitter. Criteria: Ambry Variant Classification Scheme 2023. Collection method: clinical testing. Allele origin: germline.
Comment: The p.R1859H variant (also known as c.5576G>A), located in coding exon 30 of the CHD8 gene, results from a G to A substitution at nucleotide position 5576. The arginine at codon 1859 is replaced by histidine, an amino acid with highly similar properties. This amino acid position is not well conserved in available vertebrate species. In addition, this alteration is predicted to be tolerated by in silico analysis. Since supporting evidence is limited at this time, the clinical significance of this alteration remains unclear.

NM_001170629.2(CHD8):c.5576G>A (p.Arg1859His)

Gene: CHD8 (chromodomain helicase DNA binding protein 8; minus strand). Cytogenetic location: 14q11.2.
Variant type: single nucleotide variant.
Coding change: c.5576G>A on transcript NM_001170629.2 (MANE Select); coding-DNA position 5576, G replaced by A.
Protein change: p.Arg1859His; replaces arginine 1859 with histidine.
Molecular consequence: missense variant.
Genome position (GRCh38, 1-based): chr14:21,394,300, C>T on the plus strand (G>A on the coding strand, the complement: CHD8 is on the minus strand). VCF-style: chr14-21394300-C-T. GRCh37 (hg19) VCF-style: chr14-21862459-C-T.
Other names: c.4739G>A, p.Arg1580His (NM_020920.4); short protein forms R1580H, R1859H.
Identifiers: ClinVar variation 1748390 (VCV001748390.3), dbSNP rs1011783564, ClinGen allele CA257593961.